The following is an entry in ClinVar:

NM_015076.5(CDK19):c.1270C>T (p.Gln424Ter)

Gene: CDK19 (cyclin dependent kinase 19; minus strand). Cytogenetic location: 6q21.
Variant type: single nucleotide variant.
Coding change: c.1270C>T on transcript NM_015076.5 (MANE Select); coding-DNA position 1270, C replaced by T.
Protein change: p.Gln424Ter; replaces glutamine 424 with a stop codon.
Molecular consequence: nonsense.
Genome position (GRCh38, 1-based): chr6:110,621,211, G>A on the plus strand (C>T on the coding strand, the complement: CDK19 is on the minus strand). VCF-style: chr6-110621211-G-A. GRCh37 (hg19) VCF-style: chr6-110942414-G-A.
Other names: c.1138C>T, p.Gln380Ter (NM_001300960.2); c.1090C>T, p.Gln364Ter (NM_001300963.2, NM_001300964.2); short protein forms Q364*, Q380*, Q424*.
Identifiers: ClinVar variation 3770222 (VCV003770222.1).
Genomic context (GRCh38, chr6:110,621,211, plus strand): 5'-GCCCTAGCCGTGGCTTCTTGTTTGGAGGCACCTGGTTCAGGCTGGAGTCCTGGCTGTGCT[G>A]CAACCCTGCTCCGGTGCCCCCGACCCCGGCCCCAGCCCCACCTGCGGTCCCGTTGGTCTG-3'

ClinVar aggregate classification (germline): Uncertain significance (1 of 4 stars; one submission).

Conditions:
Developmental and epileptic encephalopathy, 87. Also called: EPILEPTIC ENCEPHALOPATHY, EARLY INFANTILE, 87. Identifiers: MedGen C5394501, MONDO:0030059, OMIM 618916.

gnomAD v4.1: 1 of 1,613,772 alleles (0.000062%); highest among the groups gnomAD compares: Non-Finnish European, 0.000085%; no homozygotes.

Submission:

Department of Human Genetics, Hannover Medical School
Classification: Uncertain significance for Developmental and epileptic encephalopathy, 87. Last evaluated: 2025-03-19. Review status: criteria provided, single submitter. Criteria: ACMG Guidelines, 2015. Collection method: clinical testing. Allele origin: germline. Inheritance: Autosomal dominant inheritance. Affected: yes.
Comment: ACMG: PM2_Supporting